The following is an entry in ClinVar:

ClinVar aggregate classification (germline): Uncertain significance (1 of 4 stars; one submission).

Conditions:
Epileptic encephalopathy. Identifiers: MedGen C0543888, HP:0200134.

Allele frequency attached by ClinVar (database versions not stated): gnomAD exomes 0.00001; TOPMed 0.00003; ExAC 0.00001; gnomAD 0.00001.
gnomAD v4.1: 10 of 1,612,752 alleles (0.00062%); highest among the groups gnomAD compares: Non-Finnish European, 0.00085%; no homozygotes.

Submission:

Labcorp Genetics (formerly Invitae), Labcorp
Classification: Uncertain significance for Epileptic encephalopathy. Last evaluated: 2026-01-06. Review status: criteria provided, single submitter. Criteria: Invitae Variant Classification Sherloc (09022015). Collection method: clinical testing. Allele origin: germline.
Comment: This sequence change replaces serine, which is neutral and polar, with leucine, which is neutral and non-polar, at codon 535 of the FASN protein (p.Ser535Leu). This variant is present in population databases (rs766416227, gnomAD 0.002%). This variant has not been reported in the literature in individuals affected with FASN-related conditions. ClinVar contains an entry for this variant (Variation ID: 639024). An algorithm developed to predict the effect of missense changes on protein structure and function outputs the following: PolyPhen-2: "Benign". The leucine amino acid residue is found in multiple mammalian species, which suggests that this missense change does not adversely affect protein function. In summary, the available evidence is currently insufficient to determine the role of this variant in disease. Therefore, it has been classified as a Variant of Uncertain Significance.

NM_004104.5(FASN):c.1604C>T (p.Ser535Leu)

Gene: FASN (fatty acid synthase; minus strand). Cytogenetic location: 17q25.3.
Variant type: single nucleotide variant.
Coding change: c.1604C>T on transcript NM_004104.5 (MANE Select); coding-DNA position 1604, C replaced by T.
Protein change: p.Ser535Leu; replaces serine 535 with leucine.
Molecular consequence: missense variant.
Genome position (GRCh38, 1-based): chr17:82,090,958, G>A on the plus strand (C>T on the coding strand, the complement: FASN is on the minus strand). VCF-style: chr17-82090958-G-A. GRCh37 (hg19) VCF-style: chr17-80048834-G-A.
Other names: short protein forms S535L.
Identifiers: ClinVar variation 639024 (VCV000639024.8), dbSNP rs766416227, ClinGen allele CA8853093.